The following is an entry in ClinVar:

ClinVar aggregate classification (germline): Uncertain significance (1 of 4 stars; one submission).

Allele frequency attached by ClinVar (database versions not stated): gnomAD exomes 0.00001; ExAC 0.00002.
gnomAD v4.1: 6 of 1,614,094 alleles (0.00037%); highest among the groups gnomAD compares: Middle Eastern, 0.017%; no homozygotes.

Submission:

Labcorp Genetics (formerly Invitae), Labcorp
Classification: Uncertain significance. Last evaluated: 2022-04-28. Review status: criteria provided, single submitter. Criteria: Invitae Variant Classification Sherloc (09022015). Collection method: clinical testing. Allele origin: germline.
Comment: This sequence change replaces valine, which is neutral and non-polar, with methionine, which is neutral and non-polar, at codon 72 of the USH1C protein (p.Val72Met). This variant is present in population databases (rs763766845, gnomAD 0.002%). This variant has not been reported in the literature in individuals affected with USH1C-related conditions. Algorithms developed to predict the effect of missense changes on protein structure and function (SIFT, PolyPhen-2, Align-GVGD) all suggest that this variant is likely to be tolerated. Algorithms developed to predict the effect of sequence changes on RNA splicing suggest that this variant may disrupt the consensus splice site. In summary, the available evidence is currently insufficient to determine the role of this variant in disease. Therefore, it has been classified as a Variant of Uncertain Significance.

NM_153676.4(USH1C):c.214G>A (p.Val72Met)

Gene: USH1C (USH1 protein network component harmonin; minus strand). Cytogenetic location: 11p15.1.
Variant type: single nucleotide variant.
Coding change: c.214G>A on transcript NM_153676.4 (MANE Select); coding-DNA position 214, G replaced by A.
Protein change: p.Val72Met; replaces valine 72 with methionine.
Molecular consequence: missense variant. On other transcripts: non-coding transcript variant (1).
Genome position (GRCh38, 1-based): chr11:17,531,433, C>T on the plus strand (G>A on the coding strand, the complement: USH1C is on the minus strand). VCF-style: chr11-17531433-C-T. GRCh37 (hg19) VCF-style: chr11-17552980-C-T.
Other names: c.214G>A, p.Val72Met (NM_001297764.2, NM_005709.4); short protein forms V72M.
Identifiers: ClinVar variation 2177502 (VCV002177502.1), dbSNP rs763766845, ClinGen allele CA5905138.